The following is an entry in ClinVar:

ClinVar aggregate classification (germline): Uncertain significance (1 of 4 stars; one submission).

Submission:

GeneDx
Classification: Uncertain significance. Last evaluated: 2023-12-10. Review status: criteria provided, single submitter. Criteria: GeneDx Variant Classification Process June 2021. Collection method: clinical testing. Allele origin: germline. Affected: yes.
Comment: Has not been previously published as pathogenic or benign to our knowledge; Not observed at significant frequency in large population cohorts (gnomAD); In silico analysis supports that this missense variant has a deleterious effect on protein structure/function

NM_014491.4(FOXP2):c.1772G>T (p.Ser591Ile)

Gene: FOXP2 (forkhead box P2; plus strand). Cytogenetic location: 7q31.1.
Variant type: single nucleotide variant.
Coding change: c.1772G>T on transcript NM_014491.4 (MANE Select); coding-DNA position 1772, G replaced by T.
Protein change: p.Ser591Ile; replaces serine 591 with isoleucine.
Molecular consequence: missense variant. On other transcripts: non-coding transcript variant (2).
Genome position (GRCh38, 1-based): chr7:114,663,452, G>T. VCF-style: chr7-114663452-G-T. GRCh37 (hg19) VCF-style: chr7-114303507-G-T.
Other names: c.1769G>T, p.Ser590Ile (NM_001172766.3); c.1847G>T, p.Ser616Ile (NM_148898.4); c.1823G>T, p.Ser608Ile (NM_148900.4); short protein forms S590I, S591I, S608I, S616I.
Identifiers: ClinVar variation 3365189 (VCV003365189.1).